The following is an entry in ClinVar:

NC_000021.9:g.32728021C>T

Gene: SYNJ1 (synaptojanin 1; minus strand). Cytogenetic location: 21q22.11.
Variant type: single nucleotide variant.
Molecular consequence: missense variant (on NM_003895.4).
Genome position: GRCh38 VCF-style: chr21-32728021-C-T. GRCh37 (hg19) VCF-style: chr21-34100332-C-T.
Other names: c.20G>A, p.Cys7Tyr (NM_003895.4); short protein forms C7Y.
Identifiers: ClinVar variation 2115020 (VCV002115020.4), dbSNP rs1356107430, ClinGen allele CA410078901.

ClinVar aggregate classification (germline): Uncertain significance (1 of 4 stars; one submission).

Conditions:
Early-onset Parkinson disease 20. Also called: PARKINSON DISEASE 20, AUTOSOMAL RECESSIVE EARLY-ONSET. Identifiers: Orphanet 391411, MedGen C3809824, MONDO:0014233, OMIM 615530.
Developmental and epileptic encephalopathy, 53. Also called: Epileptic encephalopathy, early infantile, 53. Identifiers: MedGen C4479313, MONDO:0033362, OMIM 617389.

Submission:

Labcorp Genetics (formerly Invitae), Labcorp
Classification: Uncertain significance for Developmental and epileptic encephalopathy, 53; Early-onset Parkinson disease 20. Last evaluated: 2022-03-20. Review status: criteria provided, single submitter. Criteria: Invitae Variant Classification Sherloc (09022015). Collection method: clinical testing. Allele origin: germline.
Comment: In summary, the available evidence is currently insufficient to determine the role of this variant in disease. Therefore, it has been classified as a Variant of Uncertain Significance. Algorithms developed to predict the effect of missense changes on protein structure and function are either unavailable or do not agree on the potential impact of this missense change (SIFT: "Deleterious"; PolyPhen-2: "Benign"; Align-GVGD: "Class C0"). This variant has not been reported in the literature in individuals affected with SYNJ1-related conditions. This variant is not present in population databases (gnomAD no frequency). This sequence change replaces cysteine, which is neutral and slightly polar, with tyrosine, which is neutral and polar, at codon 7 of the SYNJ1 protein (p.Cys7Tyr).